The following is an entry in ClinVar:

ClinVar aggregate classification (germline): Uncertain significance (1 of 4 stars; one submission).

Conditions:
Cortical dysplasia, complex, with other brain malformations 13. Also called: Intellectual disability, autosomal dominant 13. Identifiers: MedGen C3281202, MONDO:0013805, OMIM 614563.

Submission:

3billion
Classification: Uncertain significance for Cortical dysplasia, complex, with other brain malformations 13. Last evaluated: 2025-11-19. Review status: criteria provided, single submitter. Criteria: ACMG Guidelines, 2015. Collection method: clinical testing. Allele origin: germline. Affected: yes.
Comment: The variant is not observed in the gnomAD v4.1.0 dataset. Predicted Consequence/Location: Missense variant. Missense changes are a common disease-causing mechanism. In silico tool predictions suggest damaging effect of the variant on gene or gene product [3Cnet: 0.79 (> 0.75, sensitivity 0.96 and precision 0.92)]. Therefore, this variant is classified as VUS according to the recommendation of ACMG/AMP guideline.

NM_001376.5(DYNC1H1):c.937A>G (p.Thr313Ala)

Gene: DYNC1H1 (dynein cytoplasmic 1 heavy chain 1; plus strand). Cytogenetic location: 14q32.31.
Variant type: single nucleotide variant.
Coding change: c.937A>G on transcript NM_001376.5 (MANE Select); coding-DNA position 937, A replaced by G.
Protein change: p.Thr313Ala; replaces threonine 313 with alanine.
Molecular consequence: missense variant.
Genome position (GRCh38, 1-based): chr14:101,980,526, A>G. VCF-style: chr14-101980526-A-G. GRCh37 (hg19) VCF-style: chr14-102446863-A-G.
Other names: short protein forms T313A.
Identifiers: ClinVar variation 4855455 (VCV004855455.1).